The following is an entry in ClinVar:

NM_057175.5(NAA15):c.2056+1G>A

Gene: NAA15 (N-alpha-acetyltransferase 15, NatA auxiliary subunit; plus strand). Cytogenetic location: 4q31.1.
Variant type: single nucleotide variant.
Coding change: c.2056+1G>A on transcript NM_057175.5 (MANE Select); the canonical splice donor site of the intron after coding-DNA position 2056, G replaced by A.
Molecular consequence: splice donor variant.
Genome position (GRCh38, 1-based): chr4:139,376,474, G>A. VCF-style: chr4-139376474-G-A. GRCh37 (hg19) VCF-style: chr4-140297628-G-A.
Other names: c.2056+1G>A (NM_001410842.1).
Identifiers: ClinVar variation 5040136 (VCV005040136.1).

ClinVar aggregate classification (germline): Pathogenic (1 of 4 stars; one submission).

Submission:

CeGaT Center for Human Genetics Tuebingen
Classification: Pathogenic. Last evaluated: 2026-07-01. Review status: criteria provided, single submitter. Criteria: CeGaT Center For Human Genetics Tuebingen Variant Classification Criteria Version 2. Collection method: clinical testing. Allele origin: germline. Affected: yes. Observed: 1 variant allele.
Comment: NAA15: PVS1, PM2, PS2:Moderate